The following is an entry in ClinVar:

NM_001004334.4(GPR179):c.2651G>A (p.Arg884Gln)

Gene: GPR179 (G protein-coupled receptor 179; minus strand). Cytogenetic location: 17q12.
Variant type: single nucleotide variant.
Coding change: c.2651G>A on transcript NM_001004334.4 (MANE Select); coding-DNA position 2651, G replaced by A.
Protein change: p.Arg884Gln; replaces arginine 884 with glutamine.
Molecular consequence: missense variant.
Genome position (GRCh38, 1-based): chr17:38,330,918, C>T on the plus strand (G>A on the coding strand, the complement: GPR179 is on the minus strand). VCF-style: chr17-38330918-C-T. GRCh37 (hg19) VCF-style: chr17-36486801-C-T.
Other names: short protein forms R884Q.
Identifiers: ClinVar variation 1976922 (VCV001976922.4), dbSNP rs747930627, ClinGen allele CA290105660.
Genomic context (GRCh38, chr17:38,330,918, plus strand): 5'-GAAGGTGGAGCTGACAGGGGGGCCCCTCGAGGCCGCTCCAGCCTCCTGGCTGATGGCCTC[C>T]GCACCAGGCTGGCCATGGCTGCCTTGGCCTTCTTCCGCTCCTCCCGCTCCTTTGCTTGCC-3'
Protein context (NP_001004334.3, residues 874-894): KAKAAMASLV[Arg884Gln]RPSARRLERP

ClinVar aggregate classification (germline): Uncertain significance. Review status: criteria provided, multiple submitters, no conflicts (2 of 4 stars). 2 submissions from 2 submitters: Uncertain significance (2). Last evaluated 2024-02-19.

Allele frequency attached by ClinVar (database versions not stated): gnomAD 0.00001; gnomAD exomes 0.00001; TOPMed 0.00001; ExAC 0.00002.
gnomAD v4.1: 22 of 1,607,298 alleles (0.0014%); highest among the groups gnomAD compares: East Asian, 0.0067%; no homozygotes.

Submissions (2):

Labcorp Genetics (formerly Invitae), Labcorp
Classification: Uncertain significance. Last evaluated: 2024-02-19. Review status: criteria provided, single submitter. Criteria: Invitae Variant Classification Sherloc (09022015). Collection method: clinical testing. Allele origin: germline.
Comment: This sequence change replaces arginine, which is basic and polar, with glutamine, which is neutral and polar, at codon 884 of the GPR179 protein (p.Arg884Gln). The frequency data for this variant in the population databases is considered unreliable, as metrics indicate poor data quality at this position in the gnomAD database. This variant has not been reported in the literature in individuals affected with GPR179-related conditions. ClinVar contains an entry for this variant (Variation ID: 1976922). Algorithms developed to predict the effect of missense changes on protein structure and function output the following: SIFT: "Not Available"; PolyPhen-2: "Benign"; Align-GVGD: "Not Available". The glutamine amino acid residue is found in multiple mammalian species, which suggests that this missense change does not adversely affect protein function. In summary, the available evidence is currently insufficient to determine the role of this variant in disease. Therefore, it has been classified as a Variant of Uncertain Significance.

Blueprint Genetics
Classification: Uncertain significance. Last evaluated: 2023-10-06. Review status: criteria provided, single submitter. Criteria: ACMG Guidelines, 2015. Collection method: clinical testing. Allele origin: germline.